The following is an entry in ClinVar:

NM_000081.4(LYST):c.10526G>T (p.Arg3509Leu)

Gene: LYST (lysosomal trafficking regulator; minus strand). Cytogenetic location: 1q42.3.
Variant type: single nucleotide variant.
Coding change: c.10526G>T on transcript NM_000081.4 (MANE Select); coding-DNA position 10526, G replaced by T.
Protein change: p.Arg3509Leu; replaces arginine 3509 with leucine.
Molecular consequence: missense variant.
Genome position (GRCh38, 1-based): chr1:235,697,121, C>A on the plus strand (G>T on the coding strand, the complement: LYST is on the minus strand). VCF-style: chr1-235697121-C-A. GRCh37 (hg19) VCF-style: chr1-235860421-C-A.
Other names: c.10526G>T, p.Arg3509Leu (NM_001301365.1); short protein forms R3509L.
Identifiers: ClinVar variation 1388717 (VCV001388717.5), dbSNP rs138936105, ClinGen allele CA344928844.
Genomic context (GRCh38, chr1:235,697,121, plus strand): 5'-TCTTCGTTACATTTTATTTTACCTTGTTCCTTGCTATATGTCATCAGAAGACAGAAATTC[C>A]GTGACAAACCACAGATTGCTCTGGTGGGCAGAGCCTGGAGAGAGCCAAATCTTTCTCCGT-3'
Protein context (NP_000072.2, residues 3499-3519): LPTRAICGLS[Arg3509Leu]NFCLLMTYSK

ClinVar aggregate classification (germline): Uncertain significance (1 of 4 stars; one submission).

Conditions:
Chédiak-Higashi syndrome (CHS). Also called: Chediak-Higashi Syndrome. Identifiers: Orphanet 167, MedGen C0007965, MONDO:0008963, OMIM 214500.

Submission:

Labcorp Genetics (formerly Invitae), Labcorp
Classification: Uncertain significance for Chédiak-Higashi syndrome. Last evaluated: 2021-10-22. Review status: criteria provided, single submitter. Criteria: Invitae Variant Classification Sherloc (09022015). Collection method: clinical testing. Allele origin: germline.
Comment: Algorithms developed to predict the effect of missense changes on protein structure and function (SIFT, PolyPhen-2, Align-GVGD) all suggest that this variant is likely to be tolerated. This variant has not been reported in the literature in individuals affected with LYST-related conditions. This variant is not present in population databases (ExAC no frequency). This sequence change replaces arginine with leucine at codon 3509 of the LYST protein (p.Arg3509Leu). The arginine residue is moderately conserved and there is a moderate physicochemical difference between arginine and leucine. In summary, the available evidence is currently insufficient to determine the role of this variant in disease. Therefore, it has been classified as a Variant of Uncertain Significance.